The following is an entry in ClinVar:

ClinVar aggregate classification (germline): Pathogenic/Likely pathogenic. Review status: criteria provided, multiple submitters, no conflicts (2 of 4 stars). 4 submissions from 4 submitters: Pathogenic (2); Likely pathogenic (2). Last evaluated 2025-05-27.

Conditions:
Neurofibromatosis, type 1 (NF1). Also called: NEUROFIBROMATOSIS, TYPE I, SOMATIC; VON RECKLINGHAUSEN DISEASE; Peripheral type neurofibromatosis; Neurofibromatosis, type I. Identifiers: Orphanet 636, MedGen C0027831, MONDO:0018975, OMIM 162200. Disease mechanism: loss of function.

Submissions (4):

Labcorp Genetics (formerly Invitae), Labcorp
Classification: Pathogenic for Neurofibromatosis, type 1. Last evaluated: 2025-05-27. Review status: criteria provided, single submitter. Criteria: Invitae Variant Classification Sherloc (09022015). Collection method: clinical testing. Allele origin: germline.
Comment: This sequence change affects a donor splice site in intron 40 of the NF1 gene. RNA analysis indicates that disruption of this splice site induces altered splicing and may result in an absent or altered protein product. This variant is not present in population databases (gnomAD no frequency). Disruption of this splice site has been observed in individuals with neurofibromatosis type 1 (PMID: 22222937; internal data). Invitae Evidence Modeling of clinical and family history, age, sex, and reported ancestry of multiple individuals with this NF1 variant has been performed. This variant is expected to be pathogenic with a positive predictive value of at least 99%. This is a validated machine learning model that incorporates the clinical features of 1,785,918 individuals referred to our laboratory for NF1 testing. ClinVar contains an entry for this variant (Variation ID: 547673). Studies have shown that disruption of this splice site results in skipping of exon 40, and produces a non-functional protein and/or introduces a premature termination codon (internal data). For these reasons, this variant has been classified as Pathogenic.

Genome-Nilou Lab
Classification: Pathogenic for Neurofibromatosis, type 1. Last evaluated: 2022-03-15. Review status: criteria provided, single submitter. Criteria: ACMG Guidelines, 2015. Collection method: clinical testing. Allele origin: germline. Affected: no.

Athena Diagnostics
Classification: Likely pathogenic. Last evaluated: 2021-08-26. Review status: criteria provided, single submitter. Criteria: Athena Diagnostics Criteria. Collection method: clinical testing. Allele origin: unknown.
Comment: This variant is expected to severely impact normal RNA splicing, and consequently, protein structure and/or function. This variant has not been reported in large, multi-ethnic general populations. This variant has been identified in at least one individual tested at Athena Diagnostics with clinical features associated with this gene.

Center for Human Genetics, Inc
Classification: Likely pathogenic for Neurofibromatosis, type 1. Last evaluated: 2016-11-01. Review status: criteria provided, single submitter. Criteria: ACMG Guidelines, 2015. Collection method: clinical testing. Allele origin: germline. Affected: yes.

Literature cited by the submitters: PubMed 22222937 (cited by Labcorp Genetics (formerly Invitae), Labcorp).

NM_001042492.3(NF1):c.6147+2T>C

Gene: NF1 (neurofibromin 1; plus strand). Cytogenetic location: 17q11.2.
Variant type: single nucleotide variant.
Coding change: c.6147+2T>C on transcript NM_001042492.3 (MANE Select); the canonical splice donor site of the intron after coding-DNA position 6147, T replaced by C.
Molecular consequence: splice donor variant.
Genome position (GRCh38, 1-based): chr17:31,336,475, T>C. VCF-style: chr17-31336475-T-C. GRCh37 (hg19) VCF-style: chr17-29663493-T-C.
Other names: c.6084+2T>C (NM_000267.4).
Identifiers: ClinVar variation 547673 (VCV000547673.11), dbSNP rs1555534621, ClinGen allele CA399011597.